The following is an entry in ClinVar:

ClinVar aggregate classification (germline): Conflicting classifications of pathogenicity. Review status: criteria provided, conflicting classifications (1 of 4 stars). 5 submissions from 5 submitters: Uncertain significance (1); Benign (2); Likely benign (2). Last evaluated 2026-07-01.

Conditions:
Early-infantile DEE. Also called: Early infantile epileptic encephalopathy with suppression bursts; Ohtahara syndrome; Early infantile epileptic encephalopathy. Identifiers: Orphanet 1934, MedGen C0393706, MONDO:0800491.
Inborn genetic diseases. Identifiers: MedGen C0950123, MeSH D030342.

Allele frequency attached by ClinVar (database versions not stated): gnomAD exomes 0.00003 and 0.00010; ExAC 0.00017; TOPMed 0.00047; ESP Exome Variant Server 0.00049; gnomAD 0.00049 and 0.00051; 1000 Genomes Project 30x 0.00078; 1000 Genomes Project 0.00080.
gnomAD v4.1: 119 of 1,613,000 alleles (0.0074%); highest among the groups gnomAD compares: African/African-American, 0.15%; no homozygotes.

Submissions (5):

CeGaT Center for Human Genetics Tuebingen
Classification: Likely benign. Last evaluated: 2026-07-01. Review status: criteria provided, single submitter. Criteria: CeGaT Center For Human Genetics Tuebingen Variant Classification Criteria Version 2. Collection method: clinical testing. Allele origin: germline. Affected: yes. Observed: 1 variant allele.
Comment: SCN8A: BP4, BP7, BS1

Labcorp Genetics (formerly Invitae), Labcorp
Classification: Benign for Early-infantile DEE. Last evaluated: 2026-01-12. Review status: criteria provided, single submitter. Criteria: Invitae Variant Classification Sherloc (09022015). Collection method: clinical testing. Allele origin: germline.

GeneDx
Classification: Benign. Last evaluated: 2019-01-28. Review status: criteria provided, single submitter. Criteria: GeneDx Variant Classification Process June 2021. Collection method: clinical testing. Allele origin: germline. Affected: yes.

Ambry Genetics
Classification: Likely benign for Inborn genetic diseases. Last evaluated: 2018-11-01. Review status: criteria provided, single submitter. Criteria: Ambry Variant Classification Scheme 2023. Collection method: clinical testing. Allele origin: germline.

Eurofins Ntd Llc (ga)
Classification: Uncertain significance. Last evaluated: 2014-07-04. Review status: criteria provided, single submitter. Criteria: EGL Classification Definitions 2015. Collection method: clinical testing. Allele origin: germline. Observed: 1 variant allele, 1 heterozygote.

NM_001330260.2(SCN8A):c.1677C>T (p.His559=)

Gene: SCN8A (sodium voltage-gated channel alpha subunit 8; plus strand). Cytogenetic location: 12q13.13.
Variant type: single nucleotide variant.
Coding change: c.1677C>T on transcript NM_001330260.2 (MANE Select); coding-DNA position 1677, C replaced by T.
Protein change: p.His559=; no amino-acid change (histidine 559 retained).
Molecular consequence: synonymous variant.
Genome position (GRCh38, 1-based): chr12:51,721,587, C>T. VCF-style: chr12-51721587-C-T. GRCh37 (hg19) VCF-style: chr12-52115371-C-T.
Other names: c.1677C>T, p.His559= (NM_001177984.3, NM_001369788.1, NM_014191.4).
Identifiers: ClinVar variation 194087 (VCV000194087.22), dbSNP rs202212399, ClinGen allele CA239891.